The following is an entry in ClinVar:

NM_000179.3(MSH6):c.1626C>G (p.Leu542=)

Gene: MSH6 (mutS homolog 6; plus strand). Cytogenetic location: 2p16.3.
Variant type: single nucleotide variant.
Coding change: c.1626C>G on transcript NM_000179.3 (MANE Select); coding-DNA position 1626, C replaced by G.
Protein change: p.Leu542=; no amino-acid change (leucine 542 retained).
Molecular consequence: synonymous variant. On other transcripts: non-coding transcript variant (4), intron variant (2).
Genome position (GRCh38, 1-based): chr2:47,799,609, C>G. VCF-style: chr2-47799609-C-G. GRCh37 (hg19) VCF-style: chr2-48026748-C-G.
Other names: c.1236C>G, p.Leu412= (NM_001281492.2); c.720C>G, p.Leu240= (NM_001281493.2, NM_001281494.2, NM_001406811.1 and 6 more transcripts); c.1722C>G, p.Leu574= (NM_001406795.1, NM_001406802.1); c.1626C>G, p.Leu542= (NM_001406796.1, NM_001406798.1, NM_001406800.1 and 3 more transcripts); c.1329C>G, p.Leu443= (NM_001406797.1, NM_001406801.1, NM_001406805.1 and 10 more transcripts); c.1101C>G, p.Leu367= (NM_001406799.1, NM_001406806.1, NM_001406807.1); c.1548C>G, p.Leu516= (NM_001406804.1); c.1632C>G, p.Leu544= (NM_001406813.1); and 3 more.
Identifiers: ClinVar variation 1776698 (VCV001776698.6), dbSNP rs2104356580, ClinGen allele CA426121434.

ClinVar aggregate classification (germline): Benign/Likely benign. Review status: criteria provided, multiple submitters, no conflicts (2 of 4 stars). 3 submissions from 3 submitters: Benign (1); Likely benign (2). Last evaluated 2024-12-27.

Conditions:
Hereditary nonpolyposis colorectal neoplasms. Identifiers: MedGen C0009405, MeSH D003123.
Hereditary cancer-predisposing syndrome. Also called: Neoplastic Syndromes, Hereditary; Tumor predisposition; Hereditary Cancer Syndrome; Hereditary neoplastic syndrome. Identifiers: Orphanet 140162, MedGen C0027672, MeSH D009386, MONDO:0015356.
Lynch syndrome 5 (LYNCH5). Also called: Colorectal cancer, hereditary nonpolyposis, type 5; Hereditary non-polyposis colorectal cancer, type 5. Identifiers: Orphanet 144, MedGen C1833477, MONDO:0013710, OMIM 614350. Disease mechanism: loss of function.

Submissions (3):

Myriad Genetics, Inc.
Classification: Benign for Lynch syndrome 5. Last evaluated: 2024-12-27. Review status: criteria provided, single submitter. Criteria: Myriad Autosomal Dominant, Autosomal Recessive and X-Linked Classification Criteria (2023). Collection method: clinical testing. Allele origin: unknown.
Comment: This variant is considered benign. This variant is a silent/synonymous amino acid change and it is not expected to impact splicing.

Labcorp Genetics (formerly Invitae), Labcorp
Classification: Likely benign for Hereditary nonpolyposis colorectal neoplasms. Last evaluated: 2022-11-04. Review status: criteria provided, single submitter. Criteria: Invitae Variant Classification Sherloc (09022015). Collection method: clinical testing. Allele origin: germline.

Ambry Genetics
Classification: Likely benign for Hereditary cancer-predisposing syndrome. Last evaluated: 2021-04-22. Review status: criteria provided, single submitter. Criteria: Ambry Variant Classification Scheme 2023. Collection method: clinical testing. Allele origin: germline.